The following is an entry in ClinVar:

ClinVar aggregate classification (germline): Uncertain significance (0 of 4 stars; one submission).

Conditions:
UCP3-related disorder. Also called: UCP3-related condition.

gnomAD v4.1: 3 of 1,614,054 alleles (0.00019%); highest among the groups gnomAD compares: East Asian, 0.0067%; no homozygotes.

Submission:

PreventionGenetics, part of Exact Sciences
Classification: Uncertain significance for UCP3-related condition. Last evaluated: 2024-07-31. Review status: no assertion criteria provided. Collection method: clinical testing. Allele origin: germline.
Comment: The UCP3 c.311A>T variant is predicted to result in the amino acid substitution p.Gln104Leu. To our knowledge, this variant has not been reported in the literature. This variant is reported in 0.0054% of alleles in individuals of East Asian descent in gnomAD. At this time, the clinical significance of this variant is uncertain due to the absence of conclusive functional and genetic evidence.

NM_003356.4(UCP3):c.311A>T (p.Gln104Leu)

Gene: UCP3 (uncoupling protein 3; minus strand). Cytogenetic location: 11q13.4.
Variant type: single nucleotide variant.
Coding change: c.311A>T on transcript NM_003356.4 (MANE Select); coding-DNA position 311, A replaced by T.
Protein change: p.Gln104Leu; replaces glutamine 104 with leucine.
Molecular consequence: missense variant.
Genome position (GRCh38, 1-based): chr11:74,006,195, T>A on the plus strand (A>T on the coding strand, the complement: UCP3 is on the minus strand). VCF-style: chr11-74006195-T-A. GRCh37 (hg19) VCF-style: chr11-73717240-T-A.
Other names: c.311A>T, p.Gln104Leu (NM_022803.3); short protein forms Q104L.
Identifiers: ClinVar variation 3358319 (VCV003358319.1).
Genomic context (GRCh38, chr11:74,006,195, plus strand): 5'-CACCCCTTTGGTGTTCAGGGACCTGGTCACTCACTGTCCGCGCCTTTGGGGGTGTACACC[T>A]GCTTGACGGAGTCATAGAGGCCGATGCGGATGGAGGCGAAGCTCATCTGGCGCTGCAGGC-3'
Protein context (NP_003347.1, residues 94-114): IRIGLYDSVK[Gln104Leu]VYTPKGADNS